The following is an entry in ClinVar:

NM_001844.5(COL2A1):c.1481G>A (p.Arg494His)

Gene: COL2A1 (collagen type II alpha 1 chain; minus strand). Cytogenetic location: 12q13.11.
Variant type: single nucleotide variant.
Coding change: c.1481G>A on transcript NM_001844.5 (MANE Select); coding-DNA position 1481, G replaced by A.
Protein change: p.Arg494His; replaces arginine 494 with histidine.
Molecular consequence: missense variant.
Genome position (GRCh38, 1-based): chr12:47,986,382, C>T on the plus strand (G>A on the coding strand, the complement: COL2A1 is on the minus strand). VCF-style: chr12-47986382-C-T. GRCh37 (hg19) VCF-style: chr12-48380165-C-T.
Other names: c.1274G>A, p.Arg425His (NM_033150.3); c.1481G>A (NM_001844.4); short protein forms R494H, R425H.
Identifiers: ClinVar variation 1355402 (VCV001355402.27), dbSNP rs766574999, ClinGen allele CA6535471.
Genomic context (GRCh38, chr12:47,986,382, plus strand): 5'-CACATTCACTTAACTCTTTCTCCAGGGGGACCGATGGGCCCAACGCCACCAGGCTCTCCA[C>T]GGGCACCTCTCTTGCCTTCTTCACCAGCGGGTCCAGGGGCTCCCTGGGGGCCAGCAGGGC-3'
Protein context (NP_001835.3, residues 484-504): PAGEEGKRGA[Arg494His]GEPGGVGPIG

ClinVar aggregate classification (germline): Conflicting classifications of pathogenicity. Review status: criteria provided, conflicting classifications (1 of 4 stars). 4 submissions from 4 submitters: Uncertain significance (3); Likely benign (1). Last evaluated 2026-03-06.

Conditions:
COL2A1-related disorder. Also called: COL2A1-related condition; COL2A1-related disorders.

Allele frequency attached by ClinVar (database versions not stated): gnomAD exomes 0.00001 and 0.00003; gnomAD 0.00002; ExAC 0.00004.
gnomAD v4.1: 22 of 1,570,410 alleles (0.0014%); highest among the groups gnomAD compares: East Asian, 0.0047%; no homozygotes.

Submissions (4):

PreventionGenetics, part of Exact Sciences
Classification: Uncertain significance for COL2A1-related condition. Last evaluated: 2026-03-06. Review status: criteria provided, single submitter. Criteria: ACMG Guidelines, 2015. Collection method: clinical testing. Allele origin: germline.
Comment: The COL2A1 c.1481G>A variant is predicted to result in the amino acid substitution p.Arg494His. To our knowledge, this variant has not been reported in the literature. This variant is reported in 0.013% of alleles in individuals of East Asian descent in gnomAD v2. However, in gnomAD v4 (available only on GRCh38), this variant is reported in 0.0047% of alleles in individuals of East Asian descent. At this time, the clinical significance of this variant is uncertain due to the absence of conclusive functional and genetic evidence.

Labcorp Genetics (formerly Invitae), Labcorp
Classification: Likely benign. Last evaluated: 2024-06-13. Review status: criteria provided, single submitter. Criteria: Invitae Variant Classification Sherloc (09022015). Collection method: clinical testing. Allele origin: germline.

CeGaT Center for Human Genetics Tuebingen
Classification: Uncertain significance. Last evaluated: 2024-06-01. Review status: criteria provided, single submitter. Criteria: CeGaT Center For Human Genetics Tuebingen Variant Classification Criteria Version 2. Collection method: clinical testing. Allele origin: germline. Affected: yes. Observed: 1 variant allele.
Comment: COL2A1: PM5:Supporting

GeneDx
Classification: Uncertain significance. Last evaluated: 2022-11-29. Review status: criteria provided, single submitter. Criteria: GeneDx Variant Classification Process June 2021. Collection method: clinical testing. Allele origin: germline. Affected: yes.
Comment: Has not been previously published as pathogenic or benign to our knowledge; Occurs in the triple helical domain at the Y position in the canonical Gly-X-Y repeat; although this variant may have an effect on normal protein folding and function, missense substitution at the Y position is not a common mechanism of disease (HGMD); In silico analysis supports that this missense variant does not alter protein structure/function